The following is an entry in ClinVar:

NM_001330260.2(SCN8A):c.506A>G (p.Tyr169Cys)

Gene: SCN8A (sodium voltage-gated channel alpha subunit 8; plus strand). Cytogenetic location: 12q13.13.
Variant type: single nucleotide variant.
Coding change: c.506A>G on transcript NM_001330260.2 (MANE Select); coding-DNA position 506, A replaced by G.
Protein change: p.Tyr169Cys; replaces tyrosine 169 with cysteine.
Molecular consequence: missense variant.
Genome position (GRCh38, 1-based): chr12:51,687,111, A>G. VCF-style: chr12-51687111-A-G. GRCh37 (hg19) VCF-style: chr12-52080895-A-G.
Other names: c.506A>G, p.Tyr169Cys (NM_001177984.3, NM_001369788.1, NM_014191.4); short protein forms Y169C.
Identifiers: ClinVar variation 3793258 (VCV003793258.2).

ClinVar aggregate classification (germline): Likely pathogenic (1 of 4 stars; one submission).

Conditions:
Inborn genetic diseases. Identifiers: MedGen C0950123, MeSH D030342.

Submission:

Ambry Genetics
Classification: Likely pathogenic for Inborn genetic diseases. Last evaluated: 2025-03-17. Review status: criteria provided, single submitter. Criteria: Ambry Variant Classification Scheme 2023. Collection method: clinical testing. Allele origin: germline.
Comment: The c.506A>G (p.Y169C) alteration is located in exon 5 (coding exon 4) of the SCN8A gene. This alteration results from a A to G substitution at nucleotide position 506, causing the tyrosine (Y) at amino acid position 169 to be replaced by a cysteine (C). for SCN8A-related neurodevelopmental disorder; however, its clinical significance for SCN8A-related seizure disorders is uncertain. This variant was not reported in population-based cohorts in the Genome Aggregation Database (gnomAD). This amino acid position is highly conserved in available vertebrate species. This missense alteration is located in a region that has a low rate of benign missense variation (Lek, 2016; Firth, 2009). This alteration is predicted to be deleterious by in silico analysis. Based on the available evidence, this alteration is classified as likely pathogenic.